The following is an entry in ClinVar:

ClinVar aggregate classification (germline): Uncertain significance (1 of 4 stars; one submission).

gnomAD v4.1: 3 of 1,529,360 alleles (0.0002%); highest among the groups gnomAD compares: Admixed American, 0.002%; no homozygotes.

Submission:

Labcorp Genetics (formerly Invitae), Labcorp
Classification: Uncertain significance. Last evaluated: 2025-10-25. Review status: criteria provided, single submitter. Criteria: Invitae Variant Classification Sherloc (09022015). Collection method: clinical testing. Allele origin: germline.
Comment: This sequence change replaces glycine, which is neutral and non-polar, with arginine, which is basic and polar, at codon 5 of the TGFB1 protein (p.Gly5Arg). This variant is present in population databases (rs759113717, gnomAD 0.004%). This variant has not been reported in the literature in individuals affected with TGFB1-related conditions. ClinVar contains an entry for this variant (Variation ID: 3605908). An algorithm developed to predict the effect of missense changes on protein structure and function outputs the following: PolyPhen-2: "Not Available". The arginine amino acid residue is found in multiple mammalian species, which suggests that this missense change does not adversely affect protein function. In summary, the available evidence is currently insufficient to determine the role of this variant in disease. Therefore, it has been classified as a Variant of Uncertain Significance.

NM_000660.7(TGFB1):c.13G>A (p.Gly5Arg)

Gene: TGFB1 (transforming growth factor beta 1; minus strand). Cytogenetic location: 19q13.2.
Variant type: single nucleotide variant.
Coding change: c.13G>A on transcript NM_000660.7 (MANE Select); coding-DNA position 13, G replaced by A.
Protein change: p.Gly5Arg; replaces glycine 5 with arginine.
Molecular consequence: missense variant.
Genome position (GRCh38, 1-based): chr19:41,353,032, C>T on the plus strand (G>A on the coding strand, the complement: TGFB1 is on the minus strand). VCF-style: chr19-41353032-C-T. GRCh37 (hg19) VCF-style: chr19-41858937-C-T.
Other names: short protein forms G5R.
Identifiers: ClinVar variation 3605908 (VCV003605908.2).
Genomic context (GRCh38, chr19:41,353,032, plus strand): 5'-GGCCAGGCGTCAGCACCAGTAGCCACAGCAGCGGTAGCAGCAGCGGCAGCAGCCGCAGCC[C>T]GGAGGGCGGCATGGGGGAGGCGGCGCCCCCCGGCACTGCCGAGAGCGCGAACAGGGCTGG-3'
Protein context (NP_000651.3, residues 1-15): MPPS[Gly5Arg]LRLLPLLLPL